The following is an entry in ClinVar:

NM_001042492.3(NF1):c.888+8G>A

Gene: NF1 (neurofibromin 1; plus strand). Cytogenetic location: 17q11.2.
Variant type: single nucleotide variant.
Coding change: c.888+8G>A on transcript NM_001042492.3 (MANE Select); 8 bases into the intron after coding-DNA position 888, G replaced by A.
Molecular consequence: intron variant.
Genome position (GRCh38, 1-based): chr17:31,182,673, G>A. VCF-style: chr17-31182673-G-A. GRCh37 (hg19) VCF-style: chr17-29509691-G-A.
Other names: p.?; c.888+8G>A (NM_000267.4, NM_001128147.3).
Identifiers: ClinVar variation 751146 (VCV000751146.12), dbSNP rs772234682, ClinGen allele CA8485649.

ClinVar aggregate classification (germline): Likely benign. Review status: criteria provided, multiple submitters, no conflicts (2 of 4 stars). 4 submissions from 4 submitters: Likely benign (4). Last evaluated 2026-09-22.

Conditions:
NF1-related disorder. Also called: NF1-related condition. Identifiers: MedGen CN379171.
Neurofibromatosis, type 1 (NF1). Also called: Neurofibromatosis, type I; Peripheral type neurofibromatosis; VON RECKLINGHAUSEN DISEASE; NEUROFIBROMATOSIS, TYPE I, SOMATIC. Identifiers: Orphanet 636, MedGen C0027831, MONDO:0018975, OMIM 162200. Disease mechanism: loss of function.

Allele frequency attached by ClinVar (database versions not stated): gnomAD exomes 0.00001; TOPMed 0.00001; ExAC 0.00002.
gnomAD v4.1: 7 of 1,611,256 alleles (0.00043%); highest among the groups gnomAD compares: East Asian, 0.016%; no homozygotes.

Submissions (4):

Myriad Genetics, Inc.
Classification: Likely benign for Neurofibromatosis, type 1. Last evaluated: 2026-09-22. Review status: criteria provided, single submitter. Criteria: Myriad Autosomal Dominant, Autosomal Recessive and X-Linked Classification Criteria (2023). Collection method: clinical testing. Allele origin: unknown.
Comment: This variant is considered likely benign. This variant is intronic and is not expected to impact mRNA splicing.

PreventionGenetics, part of Exact Sciences
Classification: Likely benign for NF1-related condition. Last evaluated: 2025-12-16. Review status: criteria provided, single submitter. Criteria: ACMG Guidelines, 2015. Collection method: clinical testing. Allele origin: germline.
Comment: This variant is classified as likely benign based on ACMG/AMP sequence variant interpretation guidelines (Richards et al. 2015 PMID: 25741868, with internal and published modifications).

Labcorp Genetics (formerly Invitae), Labcorp
Classification: Likely benign for Neurofibromatosis, type 1. Last evaluated: 2025-11-23. Review status: criteria provided, single submitter. Criteria: Invitae Variant Classification Sherloc (09022015). Collection method: clinical testing. Allele origin: germline.

Mayo Clinic Laboratories, Mayo Clinic
Classification: Likely benign. Last evaluated: 2025-07-23. Review status: criteria provided, single submitter. Criteria: ACMG Guidelines, 2015. Collection method: clinical testing. Allele origin: germline. Observed: 1 variant allele.
Comment: BP4, BP7